The following is an entry in ClinVar:

NM_000238.4(KCNH2):c.44T>G (p.Leu15Arg)

Gene: KCNH2 (potassium voltage-gated channel subfamily H member 2; minus strand). Cytogenetic location: 7q36.1.
Variant type: single nucleotide variant.
Coding change: c.44T>G on transcript NM_000238.4 (MANE Select); coding-DNA position 44, T replaced by G.
Protein change: p.Leu15Arg; replaces leucine 15 with arginine.
Molecular consequence: missense variant.
Genome position (GRCh38, 1-based): chr7:150,977,870, A>C on the plus strand (T>G on the coding strand, the complement: KCNH2 is on the minus strand). VCF-style: chr7-150977870-A-C. GRCh37 (hg19) VCF-style: chr7-150674958-A-C.
Other names: c.44T>G, p.Leu15Arg (NM_172056.3); short protein forms L15R.
Identifiers: ClinVar variation 1206671 (VCV001206671.8), dbSNP rs794728418, ClinGen allele CA369866696.

ClinVar aggregate classification (germline): Uncertain significance. Review status: criteria provided, multiple submitters, no conflicts (2 of 4 stars). 2 submissions from 2 submitters: Uncertain significance (2). Last evaluated 2023-03-07.

Conditions:
Long QT syndrome (LQTS). Identifiers: MedGen C0023976, MeSH D008133, MONDO:0002442. Disease mechanism: loss of function. Inheritance: Various modes of inheritance.

Submissions (2):

Labcorp Genetics (formerly Invitae), Labcorp
Classification: Uncertain significance for Long QT syndrome. Last evaluated: 2023-03-07. Review status: criteria provided, single submitter. Criteria: Invitae Variant Classification Sherloc (09022015). Collection method: clinical testing. Allele origin: germline.
Comment: This sequence change replaces leucine, which is neutral and non-polar, with arginine, which is basic and polar, at codon 15 of the KCNH2 protein (p.Leu15Arg). This variant is not present in population databases (gnomAD no frequency). This missense change has been observed in individual(s) with long QT syndrome (Invitae). It has also been observed to segregate with disease in related individuals. ClinVar contains an entry for this variant (Variation ID: 1206671). An algorithm developed to predict the effect of missense changes on protein structure and function (PolyPhen-2) suggests that this variant is likely to be disruptive. In summary, the available evidence is currently insufficient to determine the role of this variant in disease. Therefore, it has been classified as a Variant of Uncertain Significance.

GeneDx
Classification: Uncertain significance. Last evaluated: 2020-09-16. Review status: criteria provided, single submitter. Criteria: GeneDx Variant Classification Process June 2021. Collection method: clinical testing. Allele origin: germline. Affected: yes.
Comment: Has not been previously published as pathogenic or benign to our knowledge; Not observed in large population cohorts (Lek et al., 2016); In silico analysis supports that this missense variant has a deleterious effect on protein structure/function